The following is an entry in ClinVar:

ClinVar aggregate classification (germline): Likely pathogenic (1 of 4 stars; one submission).

Conditions:
Hereditary factor VIII deficiency disease (HEMA). Also called: Hemophilia A; Hemophilia A, congenital; HEM A; Factor 8 deficiency, congenital; HEMOPHILIA, CLASSIC; AUTOSOMAL HEMOPHILIA A. Identifiers: Orphanet 98878, MedGen C0019069, MONDO:0010602, OMIM 306700.

Submission:

Molecular Genetics Department, Kulakov National Medical Research Center for Obstetrics, Gynecology and Perinatology
Classification: Likely pathogenic for Hereditary factor VIII deficiency disease. Review status: criteria provided, single submitter. Criteria: ACMG Guidelines, 2015. Collection method: clinical testing. Allele origin: germline. Affected: yes.
Comment: A previously undescribed nucleotide variant creates a missense p.Val159Asp in the F8 gene. Hemizygous missense variants are reported in patients with Hemophilia A, 306700. Another missense variant at the same position (p.Val159Ala) was previously reported in patient with hemophilia [Liu et al., 1998; EAHAD-DB]. The variant is not present in population database (gnomAD no frequency). In summary, the currently available evidence indicates that the variant is pathogenic, but additional data are needed to prove that conclusively. Therefore, this variant has been classified as likely pathogenic.

NM_000132.4(F8):c.476T>A (p.Val159Asp)

Gene: F8 (coagulation factor VIII; minus strand). Cytogenetic location: Xq28.
Variant type: single nucleotide variant.
Coding change: c.476T>A on transcript NM_000132.4 (MANE Select); coding-DNA position 476, T replaced by A.
Protein change: p.Val159Asp; replaces valine 159 with aspartic acid.
Molecular consequence: missense variant.
Genome position (GRCh38, 1-based): chrX:154,993,061, A>T on the plus strand (T>A on the coding strand, the complement: F8 is on the minus strand). VCF-style: chrX-154993061-A-T. GRCh37 (hg19) VCF-style: chrX-154221336-A-T.
Other names: short protein forms V159D.
Identifiers: ClinVar variation 3062302 (VCV003062302.1), dbSNP rs2124141036, ClinGen allele CA414919633.
Genomic context (GRCh38, chrX:154,993,061, plus strand): 5'-GAAAGATATGAGTAGGTAAGGCACAGTGGGTCAGAGGCCATTGGACCATTCTCTTTCAGG[A>T]CCTGCCAGACATATGTATGGCTTCCACCAGGGAAGACTTTATCATCTTCTTTCTCCCTTT-3'
Protein context (NP_000123.1, residues 149-169): PGGSHTYVWQ[Val159Asp]LKENGPMASD